The following is an entry in ClinVar:

NM_031471.6(FERMT3):c.56G>A (p.Arg19Gln)

Gene: FERMT3 (FERM domain containing kindlin 3; plus strand). Cytogenetic location: 11q13.1.
Variant type: single nucleotide variant.
Coding change: c.56G>A on transcript NM_031471.6 (MANE Select); coding-DNA position 56, G replaced by A.
Protein change: p.Arg19Gln; replaces arginine 19 with glutamine.
Molecular consequence: missense variant.
Genome position (GRCh38, 1-based): chr11:64,207,420, G>A. VCF-style: chr11-64207420-G-A. GRCh37 (hg19) VCF-style: chr11-63974892-G-A.
Other names: c.56G>A, p.Arg19Gln (NM_001382361.1, NM_001382362.1, NM_001382448.1 and 1 more transcripts); short protein forms R19Q.
Identifiers: ClinVar variation 580905 (VCV000580905.9), dbSNP rs150500299, ClinGen allele CA6068619.

ClinVar aggregate classification (germline): Uncertain significance. Review status: criteria provided, multiple submitters, no conflicts (2 of 4 stars). 2 submissions from 2 submitters: Uncertain significance (2). Last evaluated 2024-08-21.

Conditions:
Leukocyte adhesion deficiency 3. Also called: INTEGRIN ACTIVATION DEFICIENCY DISEASE; LEUKOCYTE ADHESION DEFICIENCY 1 VARIANT; Leukocyte adhesion deficiency, type III. Identifiers: Orphanet 2968, Orphanet 99844, MedGen C2748536, MONDO:0013016, OMIM 612840.
Inborn genetic diseases. Identifiers: MedGen C0950123, MeSH D030342.

Allele frequency attached by ClinVar (database versions not stated): gnomAD exomes 0.00005 and 0.00016; ExAC 0.00015; gnomAD 0.00031 and 0.00034; TOPMed 0.00037; ESP Exome Variant Server 0.00062.
gnomAD v4.1: 129 of 1,614,188 alleles (0.008%); highest among the groups gnomAD compares: African/African-American, 0.1%; no homozygotes.

Submissions (2):

Ambry Genetics
Classification: Uncertain significance for Inborn genetic diseases. Last evaluated: 2024-08-21. Review status: criteria provided, single submitter. Criteria: Ambry Variant Classification Scheme 2023. Collection method: clinical testing. Allele origin: germline.

Labcorp Genetics (formerly Invitae), Labcorp
Classification: Uncertain significance for Leukocyte adhesion deficiency 3. Last evaluated: 2022-10-17. Review status: criteria provided, single submitter. Criteria: Invitae Variant Classification Sherloc (09022015). Collection method: clinical testing. Allele origin: germline.
Comment: This sequence change replaces arginine, which is basic and polar, with glutamine, which is neutral and polar, at codon 19 of the FERMT3 protein (p.Arg19Gln). This variant is present in population databases (rs150500299, gnomAD 0.1%). This variant has not been reported in the literature in individuals affected with FERMT3-related conditions. ClinVar contains an entry for this variant (Variation ID: 580905). Advanced modeling of protein sequence and biophysical properties (such as structural, functional, and spatial information, amino acid conservation, physicochemical variation, residue mobility, and thermodynamic stability) performed at Invitae indicates that this missense variant is not expected to disrupt FERMT3 protein function. In summary, the available evidence is currently insufficient to determine the role of this variant in disease. Therefore, it has been classified as a Variant of Uncertain Significance.